The following is an entry in ClinVar:

ClinVar aggregate classification (germline): Uncertain significance (1 of 4 stars; one submission).

Submission:

GeneDx
Classification: Uncertain significance. Last evaluated: 2022-10-05. Review status: criteria provided, single submitter. Criteria: GeneDx Variant Classification Process June 2021. Collection method: clinical testing. Allele origin: germline. Affected: yes.
Comment: Not observed at significant frequency in large population cohorts (gnomAD); In silico analysis supports that this missense variant has a deleterious effect on protein structure/function; Has not been previously published as pathogenic or benign to our knowledge

NM_001128840.3(CACNA1D):c.1811T>C (p.Leu604Ser)

Gene: CACNA1D (calcium voltage-gated channel subunit alpha1 D; plus strand). Cytogenetic location: 3p21.1.
Variant type: single nucleotide variant.
Coding change: c.1811T>C on transcript NM_001128840.3 (MANE Select); coding-DNA position 1811, T replaced by C.
Protein change: p.Leu604Ser; replaces leucine 604 with serine.
Molecular consequence: missense variant.
Genome position (GRCh38, 1-based): chr3:53,723,578, T>C. VCF-style: chr3-53723578-T-C. GRCh37 (hg19) VCF-style: chr3-53757605-T-C.
Other names: c.1871T>C, p.Leu624Ser (NM_000720.4); c.1811T>C, p.Leu604Ser (NM_001128839.3); short protein forms L604S, L624S.
Identifiers: ClinVar variation 1708916 (VCV001708916.2), dbSNP rs1047895803, ClinGen allele CA74848201.